The following is an entry in ClinVar:

ClinVar aggregate classification (germline): Pathogenic. Review status: reviewed by expert panel (3 of 4 stars). 2 submissions from 2 submitters: Pathogenic (1). 1 of the submissions does not count toward it. Last evaluated 2016-10-18.

Conditions:
Breast-ovarian cancer, familial, susceptibility to, 2 (BROVCA2). Also called: BRCA2 Hereditary Breast and Ovarian Cancer. Identifiers: Orphanet 145, MedGen C2675520, MONDO:0012933, OMIM 612555. Disease mechanism: loss of function.

Submissions (2):

Evidence-based Network for the Interpretation of Germline Mutant Alleles (ENIGMA)
Classification: Pathogenic for Breast-ovarian cancer, familial, susceptibility to, 2. Last evaluated: 2016-10-18. Review status: reviewed by expert panel. Criteria: ENIGMA BRCA1/2 Classification Criteria (2015). Collection method: curation. Allele origin: germline.
Comment: Variant allele predicted to encode a truncated non-functional protein.

Consortium of Investigators of Modifiers of BRCA1/2 (CIMBA), c/o University of Cambridge
Classification: Pathogenic for Breast-ovarian cancer, familial, susceptibility to, 2. Last evaluated: 2015-10-02. Review status: criteria provided, single submitter. Criteria: CIMBA Mutation Classification guidelines May 2016. Collection method: clinical testing. Allele origin: germline. Not counted in ClinVar's aggregate classification.

NM_000059.4(BRCA2):c.2764_2777del (p.Phe922fs)

Gene: BRCA2 (BRCA2 DNA repair associated; plus strand). Cytogenetic location: 13q13.1.
Variant type: Deletion.
Coding change: c.2764_2777del on transcript NM_000059.4 (MANE Select); coding-DNA positions 2764 to 2777, 14 bases deleted (TTCAAGAACTCTAC).
Protein change: p.Phe922fs; shifts the reading frame from phenylalanine 922.
Molecular consequence: frameshift variant.
Genome position (GRCh38, 1-based): chr13:32,337,119-32,337,132, TTCAAGAACTCTAC deleted. VCF-style (leftmost placement, unchanged base first): chr13-32337118-TTTCAAGAACTCTAC-T. GRCh37 (hg19) VCF-style: chr13-32911255-TTTCAAGAACTCTAC-T.
Other names: 2992del14; short protein forms F922fs.
Identifiers: ClinVar variation 266720 (VCV000266720.5), dbSNP rs886040446, ClinGen allele CA10589172.